The following is an entry in ClinVar:

NM_144498.4(OSBPL2):c.782+60G>A

Gene: OSBPL2 (oxysterol binding protein like 2; plus strand). Cytogenetic location: 20q13.33.
Variant type: single nucleotide variant.
Coding change: c.782+60G>A on transcript NM_144498.4 (MANE Select); 60 bases into the intron after coding-DNA position 782, G replaced by A.
Molecular consequence: intron variant.
Genome position (GRCh38, 1-based): chr20:62,281,225, G>A. VCF-style: chr20-62281225-G-A. GRCh37 (hg19) VCF-style: chr20-60856281-G-A.
Other names: c.506+60G>A (NM_001363878.2, NM_001278649.3); c.746+60G>A (NM_014835.5).
Identifiers: ClinVar variation 682797 (VCV000682797.2), dbSNP rs2282213, ClinGen allele CA14764866.
Genomic context (GRCh38, chr20:62,281,225, plus strand): 5'-GGTGACAGCACCCCACCGTTGGGTGAGAGCGCGAGGCTCCGGGTGGGGATGGGCGAGCCG[G>A]GGAGCGTGAGCATCCGTGCTCCTGGTGGGTTTTAGCTCAGCCTCACGAGCTGCTGCCGTG-3'

ClinVar aggregate classification (germline): Benign. Review status: criteria provided, multiple submitters, no conflicts (2 of 4 stars). 2 submissions from 2 submitters: Benign (2). Last evaluated 2018-06-16.

Allele frequency attached by ClinVar (database versions not stated): TOPMed 0.07365; gnomAD 0.07434 and 0.07714; 1000 Genomes Project 30x 0.08760; 1000 Genomes Project 0.09046; gnomAD exomes 0.09833.
gnomAD v4.1: 118,689 of 1,239,048 alleles (9.6%); highest among the groups gnomAD compares: East Asian, 21%; 6,291 homozygotes.

Submissions (2):

GeneDx
Classification: Benign. Last evaluated: 2018-06-16. Review status: criteria provided, single submitter. Criteria: GeneDx Variant Classification (06012015). Collection method: clinical testing. Allele origin: germline. Affected: yes.
Comment: This variant is considered likely benign or benign based on one or more of the following criteria: it is a conservative change, it occurs at a poorly conserved position in the protein, it is predicted to be benign by multiple in silico algorithms, and/or has population frequency not consistent with disease.

Breakthrough Genomics
Classification: Benign. Review status: criteria provided, single submitter. Criteria: ACMG Guidelines, 2015. Collection method: not provided. Allele origin: germline. Inheritance: Autosomal dominant inheritance. Affected: yes.